The following is an entry in ClinVar:

NM_000039.3(APOA1):c.218A>G (p.Asn73Ser)

Genes: APOA1 (apolipoprotein A1; minus strand), APOA1-AS (APOA1 antisense RNA; plus strand). Cytogenetic location: 11q23.3.
Variant type: single nucleotide variant.
Coding change: c.218A>G on transcript NM_000039.3 (MANE Select); coding-DNA position 218, A replaced by G.
Protein change: p.Asn73Ser; replaces asparagine 73 with serine.
Molecular consequence: missense variant. On other transcripts: 5 prime UTR variant (3).
Genome position (GRCh38, 1-based): chr11:116,836,394, T>C on the plus strand (A>G on the coding strand, the complement: APOA1 is on the minus strand). VCF-style: chr11-116836394-T-C. GRCh37 (hg19) VCF-style: chr11-116707110-T-C.
Other names: c.218A>G, p.Asn73Ser (NM_001318017.2, NM_001318018.2, NM_001425090.1 and 1 more transcripts); c.-110A>G (NM_001318021.2, NM_001425091.1, NM_001425092.1); short protein forms N73S.
Identifiers: ClinVar variation 4862224 (VCV004862224.1).
Genomic context (GRCh38, chr11:116,836,394, plus strand): 5'-TGGGTCACAGGGCCGAGCTGTTCGCGCAGCTTGCTGAAGGTGGAGGTCACGCTGTCCCAG[T>C]TGTCAAGGAGCTTTAGGCTGGAGGGTGAGACAGAAGGGTTGAGGGCTGGCCTCCCAGCGC-3'
Protein context (NP_000030.1, residues 63-83): GKQLNLKLLD[Asn73Ser]WDSVTSTFSK

ClinVar aggregate classification (germline): Uncertain significance (1 of 4 stars; one submission).

Conditions:
Cardiovascular phenotype. Identifiers: MedGen CN230736.

Submission:

Ambry Genetics
Classification: Uncertain significance for Cardiovascular phenotype. Last evaluated: 2026-05-17. Review status: criteria provided, single submitter. Criteria: Ambry Variant Classification Scheme 2023. Collection method: clinical testing. Allele origin: germline.
Comment: The p.N73S variant (also known as c.218A>G), located in coding exon 3 of the APOA1 gene, results from an A to G substitution at nucleotide position 218. The asparagine at codon 73 is replaced by serine, an amino acid with highly similar properties. This amino acid position is conserved. In addition, this alteration is predicted to be tolerated by in silico analysis. Based on the available evidence, the clinical significance of this variant remains unclear.